The following is an entry in ClinVar:

NM_004104.5(FASN):c.5185G>C (p.Glu1729Gln)

Gene: FASN (fatty acid synthase; minus strand). Cytogenetic location: 17q25.3.
Variant type: single nucleotide variant.
Coding change: c.5185G>C on transcript NM_004104.5 (MANE Select); coding-DNA position 5185, G replaced by C.
Protein change: p.Glu1729Gln; replaces glutamic acid 1729 with glutamine.
Molecular consequence: missense variant.
Genome position (GRCh38, 1-based): chr17:82,083,805, C>G on the plus strand (G>C on the coding strand, the complement: FASN is on the minus strand). VCF-style: chr17-82083805-C-G. GRCh37 (hg19) VCF-style: chr17-80041681-C-G.
Other names: short protein forms E1729Q.
Identifiers: ClinVar variation 4721020 (VCV004721020.1).

ClinVar aggregate classification (germline): Uncertain significance (1 of 4 stars; one submission).

Conditions:
Epileptic encephalopathy. Identifiers: MedGen C0543888, HP:0200134.

gnomAD v4.1: 1 of 1,610,108 alleles (0.000062%); no homozygotes.

Submission:

Labcorp Genetics (formerly Invitae), Labcorp
Classification: Uncertain significance for Epileptic encephalopathy. Last evaluated: 2025-06-09. Review status: criteria provided, single submitter. Criteria: Invitae Variant Classification Sherloc (09022015). Collection method: clinical testing. Allele origin: germline.
Comment: This sequence change replaces glutamic acid, which is acidic and polar, with glutamine, which is neutral and polar, at codon 1729 of the FASN protein (p.Glu1729Gln). This variant is not present in population databases (gnomAD no frequency). This variant has not been reported in the literature in individuals affected with FASN-related conditions. An algorithm developed to predict the effect of missense changes on protein structure and function (PolyPhen-2) suggests that this variant is likely to be disruptive. In summary, the available evidence is currently insufficient to determine the role of this variant in disease. Therefore, it has been classified as a Variant of Uncertain Significance.